The following is an entry in ClinVar:

NM_144498.4(OSBPL2):c.1125+144G>A

Gene: OSBPL2 (oxysterol binding protein like 2; plus strand). Cytogenetic location: 20q13.33.
Variant type: single nucleotide variant.
Coding change: c.1125+144G>A on transcript NM_144498.4 (MANE Select); 144 bases into the intron after coding-DNA position 1125, G replaced by A.
Molecular consequence: intron variant.
Genome position (GRCh38, 1-based): chr20:62,286,855, G>A. VCF-style: chr20-62286855-G-A. GRCh37 (hg19) VCF-style: chr20-60861911-G-A.
Other names: c.849+144G>A (NM_001363878.2, NM_001278649.3); c.1089+144G>A (NM_014835.5).
Identifiers: ClinVar variation 2652471 (VCV002652471.24), dbSNP rs145762195, ClinGen allele CA317199083.

ClinVar aggregate classification (germline): Benign (1 of 4 stars; one submission).

Allele frequency attached by ClinVar (database versions not stated): 1000 Genomes Project 30x 0.00344; 1000 Genomes Project 0.00379; gnomAD 0.00629; TOPMed 0.00638; gnomAD exomes 0.00693.
gnomAD v4.1: 6,719 of 971,592 alleles (0.69%); highest among the groups gnomAD compares: Middle Eastern, 4%; 78 homozygotes.

Submission:

CeGaT Center for Human Genetics Tuebingen
Classification: Benign. Last evaluated: 2023-04-01. Review status: criteria provided, single submitter. Criteria: CeGaT Center For Human Genetics Tuebingen Variant Classification Criteria Version 2. Collection method: clinical testing. Allele origin: germline. Affected: yes. Observed: 1 variant allele.
Comment: OSBPL2: BS1, BS2